The following is an entry in ClinVar:

ClinVar aggregate classification (germline): Uncertain significance (1 of 4 stars; one submission).

Conditions:
Tuberous sclerosis 1 (TSC1). Identifiers: Orphanet 805, MedGen C1854465, MONDO:0008612, OMIM 191100.

Submission:

Labcorp Genetics (formerly Invitae), Labcorp
Classification: Uncertain significance for Tuberous sclerosis 1. Last evaluated: 2022-07-07. Review status: criteria provided, single submitter. Criteria: Invitae Variant Classification Sherloc (09022015). Collection method: clinical testing. Allele origin: germline.
Comment: This variant is not present in population databases (gnomAD no frequency). This sequence change replaces asparagine, which is neutral and polar, with threonine, which is neutral and polar, at codon 321 of the TSC1 protein (p.Asn321Thr). This variant has not been reported in the literature in individuals affected with TSC1-related conditions. In summary, the available evidence is currently insufficient to determine the role of this variant in disease. Therefore, it has been classified as a Variant of Uncertain Significance. Algorithms developed to predict the effect of missense changes on protein structure and function (SIFT, PolyPhen-2, Align-GVGD) all suggest that this variant is likely to be tolerated.

NM_000368.5(TSC1):c.962A>C (p.Asn321Thr)

Gene: TSC1 (TSC complex subunit 1; minus strand). Cytogenetic location: 9q34.13.
Variant type: single nucleotide variant.
Coding change: c.962A>C on transcript NM_000368.5 (MANE Select); coding-DNA position 962, A replaced by C.
Protein change: p.Asn321Thr; replaces asparagine 321 with threonine.
Molecular consequence: missense variant.
Genome position (GRCh38, 1-based): chr9:132,911,520, T>G on the plus strand (A>C on the coding strand, the complement: TSC1 is on the minus strand). VCF-style: chr9-132911520-T-G. GRCh37 (hg19) VCF-style: chr9-135786907-T-G.
Other names: c.962A>C, p.Asn321Thr (NM_001162426.2, NM_001406592.1, NM_001406593.1 and 16 more transcripts); c.809A>C, p.Asn270Thr (NM_001162427.2, NM_001406610.1, NM_001406611.1 and 2 more transcripts); c.599A>C, p.Asn200Thr (NM_001362177.2, NM_001406616.1, NM_001406617.1 and 10 more transcripts); c.11A>C, p.Asn4Thr (NM_001406626.1, NM_001406627.1, NM_001406628.1); c.-132A>C (NM_001406629.1, NM_001406630.1); short protein forms N270T, N321T, N200T, N4T.
Identifiers: ClinVar variation 2014819 (VCV002014819.4), dbSNP rs1845960984, ClinGen allele CA375368667.